The following is an entry in ClinVar:

ClinVar aggregate classification (germline): Conflicting classifications of pathogenicity. Review status: criteria provided, conflicting classifications (1 of 4 stars). 6 submissions from 6 submitters: Uncertain significance (4); Likely benign (2). Last evaluated 2025-10-25.

Conditions:
Hereditary cancer-predisposing syndrome. Also called: Neoplastic Syndromes, Hereditary; Hereditary neoplastic syndrome; Tumor predisposition; Hereditary Cancer Syndrome. Identifiers: Orphanet 140162, MedGen C0027672, MeSH D009386, MONDO:0015356.
Tuberous sclerosis 2 (TSC2). Identifiers: Orphanet 805, MedGen C1860707, MONDO:0013199, OMIM 613254.
Tuberous sclerosis syndrome (TSC). Also called: Tuberous Sclerosis Complex; Tuberous sclerosis. Identifiers: Orphanet 805, MedGen C0041341, MONDO:0001734.
Isolated focal cortical dysplasia type II (FCORD2). Also called: CORTICAL DYSPLASIA OF TAYLOR; Focal cortical dysplasia type II. Identifiers: Orphanet 268994, MedGen C1846385, MONDO:0011818, OMIM 607341, HP:0032051.
Lymphangiomyomatosis (LAM). Also called: Lymphangioleiomyomatosis; Lymphangioleiomyomatosis, somatic. Identifiers: Orphanet 538, MedGen C0751674, MONDO:0011705, OMIM 606690.

Allele frequency attached by ClinVar (database versions not stated): gnomAD exomes below 0.00001 and 0.00001; TOPMed below 0.00001; ExAC 0.00002.
gnomAD v4.1: 5 of 1,613,266 alleles (0.00031%); highest among the groups gnomAD compares: Admixed American, 0.005%; no homozygotes.

Submissions (6):

Labcorp Genetics (formerly Invitae), Labcorp
Classification: Likely benign for Tuberous sclerosis 2. Last evaluated: 2025-10-25. Review status: criteria provided, single submitter. Criteria: Invitae Variant Classification Sherloc (09022015). Collection method: clinical testing. Allele origin: germline.

Color Diagnostics, LLC DBA Color Health
Classification: Uncertain significance for Tuberous sclerosis syndrome. Last evaluated: 2025-07-31. Review status: criteria provided, single submitter. Criteria: ACMG Guidelines, 2015. Collection method: clinical testing. Allele origin: germline.
Comment: This variant causes a G to A nucleotide substitution at the +5 position of intron 35 of the TSC2 gene. Splice site prediction tools predict that this variant may have a significant impact on RNA splicing, although this prediction has not been confirmed in published RNA studies. To our knowledge, RNA studies have not been reported for this variant. This variant has not been reported in individuals affected with TSC2-related disorders in the literature. This variant has been identified in 3/250214 chromosomes in the general population by the Genome Aggregation Database (gnomAD). The available evidence is insufficient to determine the role of this variant in disease conclusively. Therefore, this variant is classified as a Variant of Uncertain Significance.

Quest Diagnostics Nichols Institute San Juan Capistrano
Classification: Uncertain significance. Last evaluated: 2025-01-10. Review status: criteria provided, single submitter. Criteria: Quest Diagnostics criteria. Collection method: clinical testing. Allele origin: unknown.

Ambry Genetics
Classification: Likely benign for Hereditary cancer-predisposing syndrome. Last evaluated: 2023-04-26. Review status: criteria provided, single submitter. Criteria: Ambry Variant Classification Scheme 2023. Collection method: clinical testing. Allele origin: germline.

Fulgent Genetics
Classification: Uncertain significance for Lymphangiomyomatosis; Isolated focal cortical dysplasia type II; Tuberous sclerosis 2. Last evaluated: 2022-04-06. Review status: criteria provided, single submitter. Criteria: ACMG Guidelines, 2015. Collection method: clinical testing. Allele origin: unknown.

Genome-Nilou Lab
Classification: Uncertain significance for Tuberous sclerosis 2. Last evaluated: 2021-11-07. Review status: criteria provided, single submitter. Criteria: ACMG Guidelines, 2015. Collection method: clinical testing. Allele origin: germline. Affected: no.

NM_000548.5(TSC2):c.4569+5G>A

Gene: TSC2 (TSC complex subunit 2; plus strand). Cytogenetic location: 16p13.3.
Variant type: single nucleotide variant.
Coding change: c.4569+5G>A on transcript NM_000548.5 (MANE Select); 5 bases into the intron after coding-DNA position 4569, G replaced by A.
Molecular consequence: intron variant.
Genome position (GRCh38, 1-based): chr16:2,085,031, G>A. VCF-style: chr16-2085031-G-A. GRCh37 (hg19) VCF-style: chr16-2135032-G-A.
Other names: c.4500+5G>A (NM_001114382.3); c.4440+5G>A (NM_021055.3, NM_001370405.1); c.4371+5G>A (NM_001363528.2); c.4437+5G>A (NM_001370404.1); c.4368+5G>A (NM_001077183.3); c.4260+5G>A (NM_001318827.2); c.3837+5G>A (NM_001318831.2); c.4224+5G>A (NM_001318829.2); and 1 more.
Identifiers: ClinVar variation 660451 (VCV000660451.19), dbSNP rs746446349, ClinGen allele CA051676.